The following is an entry in ClinVar:

NM_000179.3(MSH6):c.3896G>C (p.Gly1299Ala)

Gene: MSH6 (mutS homolog 6; plus strand). Cytogenetic location: 2p16.3.
Variant type: single nucleotide variant.
Coding change: c.3896G>C on transcript NM_000179.3 (MANE Select); coding-DNA position 3896, G replaced by C.
Protein change: p.Gly1299Ala; replaces glycine 1299 with alanine.
Molecular consequence: missense variant. On other transcripts: non-coding transcript variant (5), intron variant (1).
Genome position (GRCh38, 1-based): chr2:47,806,546, G>C. VCF-style: chr2-47806546-G-C. GRCh37 (hg19) VCF-style: chr2-48033685-G-C.
Other names: c.3506G>C, p.Gly1169Ala (NM_001281492.2); c.2990G>C, p.Gly997Ala (NM_001281493.2, NM_001281494.2, NM_001406811.1 and 6 more transcripts); c.3992G>C, p.Gly1331Ala (NM_001406795.1); c.3896G>C, p.Gly1299Ala (NM_001406796.1, NM_001406808.1, NM_001406809.1); c.3599G>C, p.Gly1200Ala (NM_001406797.1, NM_001406801.1, NM_001406805.1 and 10 more transcripts); c.3722G>C, p.Gly1241Ala (NM_001406798.1); c.3371G>C, p.Gly1124Ala (NM_001406799.1, NM_001406806.1, NM_001406807.1); c.3883G>C, p.Ala1295Pro (NM_001406800.1); and 9 more; short protein forms A1295P, G1011A, G1124A, G1169A, G1200A, G1241A, G1243A, G1273A.
Identifiers: ClinVar variation 3230569 (VCV003230569.1), dbSNP rs2104559029, ClinGen allele CA346761411.
Genomic context (GRCh38, chr2:47,806,546, plus strand): 5'-GCCAGGAGACTATTACGTTCCTCTATAAATTCATTAAGGGAGCTTGTCCTAAAAGCTATG[G>C]CTTTAATGCAGCAAGGCTTGCTAATCTCCCAGAGGAAGTTATTCAAAAGGGACATAGAAA-3'
Protein context (NP_000170.1, residues 1289-1309): FIKGACPKSY[Gly1299Ala]FNAARLANLP

ClinVar aggregate classification (germline): Uncertain significance (1 of 4 stars; one submission).

Conditions:
Hereditary cancer-predisposing syndrome. Also called: Neoplastic Syndromes, Hereditary; Tumor predisposition; Hereditary neoplastic syndrome; Hereditary Cancer Syndrome. Identifiers: Orphanet 140162, MedGen C0027672, MeSH D009386, MONDO:0015356.

Submission:

Ambry Genetics
Classification: Uncertain significance for Hereditary cancer-predisposing syndrome. Last evaluated: 2024-02-16. Review status: criteria provided, single submitter. Criteria: Ambry Variant Classification Scheme 2023. Collection method: clinical testing. Allele origin: germline.
Comment: The p.G1299A variant (also known as c.3896G>C), located in coding exon 9 of the MSH6 gene, results from a G to C substitution at nucleotide position 3896. The glycine at codon 1299 is replaced by alanine, an amino acid with similar properties. This amino acid position is conserved. In addition, this alteration is predicted to be deleterious by in silico analysis. Based on the available evidence, the clinical significance of this alteration remains unclear.